The following is an entry in ClinVar:

ClinVar aggregate classification (germline): Pathogenic (1 of 4 stars; one submission).

Submission:

Labcorp Genetics (formerly Invitae), Labcorp
Classification: Pathogenic. Last evaluated: 2021-10-21. Review status: criteria provided, single submitter. Criteria: Invitae Variant Classification Sherloc (09022015). Collection method: clinical testing. Allele origin: germline.
Comment: This sequence change creates a premature translational stop signal (p.Ala1960Trpfs*17) in the ATR gene. It is expected to result in an absent or disrupted protein product. Loss-of-function variants in ATR are known to be pathogenic (PMID: 21228398, 23144622). This variant is not present in population databases (ExAC no frequency). This variant has not been reported in the literature in individuals affected with ATR-related conditions. Algorithms developed to predict the effect of sequence changes on RNA splicing suggest that this variant may create or strengthen a splice site. For these reasons, this variant has been classified as Pathogenic.

Literature cited by the submitters: PubMed 21228398; PubMed 23144622.

NM_001184.4(ATR):c.5870_5877dup (p.Ala1960fs)

Gene: ATR (ATR checkpoint kinase; minus strand). Cytogenetic location: 3q23.
Variant type: Duplication.
Coding change: c.5870_5877dup on transcript NM_001184.4 (MANE Select); coding-DNA positions 5870 to 5877, 8 bases duplicated (TGGAAAGG; older notation c.5870_5877dupTGGAAAGG).
Protein change: p.Ala1960fs; shifts the reading frame from alanine 1960.
Molecular consequence: frameshift variant.
Genome position (GRCh38, 1-based): chr3:142,496,382-142,496,389, CCTTTCCA duplicated on the plus strand (TGGAAAGG on the coding strand, the reverse complement: ATR is on the minus strand); duplicating any 8 consecutive bases within chr3:142,496,382-142,496,390 gives the same sequence; the c. name uses the placement nearest the transcript's 3' end. VCF-style (leftmost placement, unchanged base first): chr3-142496381-C-CCCTTTCCA. GRCh37 (hg19) VCF-style: chr3-142215223-C-CCCTTTCCA.
Other names: c.5678_5685dup, p.Ala1896fs (NM_001354579.2); short protein forms A1896fs, A1960fs.
Identifiers: ClinVar variation 1417890 (VCV001417890.6), dbSNP rs2108333550, ClinGen allele CA2573136667.